The following is an entry in ClinVar:

ClinVar aggregate classification (germline): Likely pathogenic (1 of 4 stars; one submission).

Conditions:
Hypertrophic cardiomyopathy. Also called: HYPERTROPHIC MYOCARDIOPATHY. Identifiers: Orphanet 217569, MedGen C0007194, MeSH D002312, MONDO:0005045, HP:0001639.

Submission:

Labcorp Genetics (formerly Invitae), Labcorp
Classification: Likely pathogenic for Hypertrophic cardiomyopathy. Last evaluated: 2022-09-06. Review status: criteria provided, single submitter. Criteria: Invitae Variant Classification Sherloc (09022015). Collection method: clinical testing. Allele origin: germline.
Comment: Algorithms developed to predict the effect of missense changes on protein structure and function (SIFT, PolyPhen-2, Align-GVGD) all suggest that this variant is likely to be disruptive. In summary, the currently available evidence indicates that the variant is pathogenic, but additional data are needed to prove that conclusively. Therefore, this variant has been classified as Likely Pathogenic. This variant is found within a region of MYH7 between codons 181 and 937 that contains the majority of the myosin head domain. Missense variants in this region have been shown to be significantly overrepresented in individuals with hypertrophic cardiomyopathy (PMID: 27532257). ClinVar contains an entry for this variant (Variation ID: 957127). This missense change has been observed in individuals with hypertrophic cardiomyopathy (PMID: 15940186; Invitae). This variant is not present in population databases (gnomAD no frequency). This sequence change replaces lysine, which is basic and polar, with threonine, which is neutral and polar, at codon 835 of the MYH7 protein (p.Lys835Thr).

Literature cited by the submitters: PubMed 27532257; PubMed 15940186.

NM_000257.4(MYH7):c.2504A>C (p.Lys835Thr)

Genes: MYH7 (myosin heavy chain 7; minus strand), LOC126861898 (BRD4-independent group 4 enhancer GRCh37_chr14:23893609-23894808; plus strand). Cytogenetic location: 14q11.2.
Variant type: single nucleotide variant.
Coding change: c.2504A>C on transcript NM_000257.4 (MANE Select); coding-DNA position 2504, A replaced by C.
Protein change: p.Lys835Thr; replaces lysine 835 with threonine.
Molecular consequence: missense variant.
Genome position (GRCh38, 1-based): chr14:23,424,944, T>G on the plus strand (A>C on the coding strand, the complement: MYH7 is on the minus strand). VCF-style: chr14-23424944-T-G. GRCh37 (hg19) VCF-style: chr14-23894153-T-G.
Other names: short protein forms K835T.
Identifiers: ClinVar variation 957127 (VCV000957127.10), dbSNP rs876657880, ClinGen allele CA389048271.